The following is an entry in ClinVar:

ClinVar aggregate classification (germline): Uncertain significance. Review status: criteria provided, multiple submitters, no conflicts (2 of 4 stars). 4 submissions from 4 submitters: Uncertain significance (4). Last evaluated 2025-08-24.

Conditions:
Cardiovascular phenotype. Identifiers: MedGen CN230736.

Allele frequency attached by ClinVar (database versions not stated): gnomAD 0.00002 and 0.00005; TOPMed 0.00003; gnomAD exomes 0.00007; ESP Exome Variant Server 0.00008; ExAC 0.00017.

Submissions (4):

Labcorp Genetics (formerly Invitae), Labcorp
Classification: Uncertain significance. Last evaluated: 2025-08-24. Review status: criteria provided, single submitter. Criteria: Invitae Variant Classification Sherloc (09022015). Collection method: clinical testing. Allele origin: germline.
Comment: This sequence change replaces arginine, which is basic and polar, with tryptophan, which is neutral and slightly polar, at codon 1396 of the ALPK3 protein (p.Arg1396Trp). This variant is present in population databases (rs369492331, gnomAD 0.04%). This variant has not been reported in the literature in individuals affected with ALPK3-related conditions. ClinVar contains an entry for this variant (Variation ID: 1494540). Invitae Evidence Modeling of protein sequence and biophysical properties (such as structural, functional, and spatial information, amino acid conservation, physicochemical variation, residue mobility, and thermodynamic stability) indicates that this missense variant is expected to disrupt ALPK3 protein function with a positive predictive value of 80%. In summary, the available evidence is currently insufficient to determine the role of this variant in disease. Therefore, it has been classified as a Variant of Uncertain Significance.

Blueprint Genetics
Classification: Uncertain significance. Last evaluated: 2024-11-25. Review status: criteria provided, single submitter. Criteria: ACMG Guidelines, 2015. Collection method: clinical testing. Allele origin: germline.

Ambry Genetics
Classification: Uncertain significance for Cardiovascular phenotype. Last evaluated: 2024-09-06. Review status: criteria provided, single submitter. Criteria: Ambry Variant Classification Scheme 2023. Collection method: clinical testing. Allele origin: germline.
Comment: The p.R1396W variant (also known as c.4186C>T), located in coding exon 6 of the ALPK3 gene, results from a C to T substitution at nucleotide position 4186. The arginine at codon 1396 is replaced by tryptophan, an amino acid with dissimilar properties. This amino acid position is conserved. In addition, the in silico prediction for this alteration is inconclusive. Since supporting evidence is limited at this time, the clinical significance of this alteration remains unclear.

GeneDx
Classification: Uncertain significance. Last evaluated: 2024-06-03. Review status: criteria provided, single submitter. Criteria: GeneDx Variant Classification Process June 2021. Collection method: clinical testing. Allele origin: germline.
Comment: In silico analysis supports that this missense variant has a deleterious effect on protein structure/function; Has not been previously published as pathogenic or benign to our knowledge

NM_020778.5(ALPK3):c.3580C>T (p.Arg1194Trp)

Gene: ALPK3 (alpha kinase 3; plus strand). Cytogenetic location: 15q25.3.
Variant type: single nucleotide variant.
Coding change: c.3580C>T on transcript NM_020778.5 (MANE Select); coding-DNA position 3580, C replaced by T.
Protein change: p.Arg1194Trp; replaces arginine 1194 with tryptophan.
Molecular consequence: missense variant.
Genome position (GRCh38, 1-based): chr15:84,858,318, C>T. VCF-style: chr15-84858318-C-T. GRCh37 (hg19) VCF-style: chr15-85401549-C-T.
Other names: c.4186C>T (NM_020778.4); short protein forms R1194W.
Identifiers: ClinVar variation 1494540 (VCV001494540.13), dbSNP rs369492331, ClinGen allele CA7709667.